The following is an entry in ClinVar:

ClinVar aggregate classification (germline): Uncertain significance. Review status: criteria provided, multiple submitters, no conflicts (2 of 4 stars). 4 submissions from 4 submitters: Uncertain significance (4). Last evaluated 2022-08-08.

Conditions:
Wrinkly skin syndrome (WSS). Also called: Type of Gerodermia osteodysplastica. Identifiers: Orphanet 2834, MedGen C0406587, MONDO:0010208, OMIM 278250.
Cutis laxa with osteodystrophy (ARCL2A). Also called: CUTIS LAXA WITH CONGENITAL DISORDER OF GLYCOSYLATION; CUTIS LAXA WITH BONE DYSTROPHY; CUTIS LAXA WITH GROWTH AND DEVELOPMENTAL DELAY; CUTIS LAXA WITH JOINT LAXITY AND RETARDED DEVELOPMENT; Debré-Type Cutis Laxa; CUTIS LAXA, AUTOSOMAL RECESSIVE, TYPE IIA. Identifiers: Orphanet 357058, MedGen C0268355, MONDO:0018163, OMIM 219200. Disease mechanism: loss of function.
ALG9 congenital disorder of glycosylation (CDG1L). Also called: CDG Il; CONGENITAL DISORDER OF GLYCOSYLATION, TYPE Il; ALG9-CDG. Identifiers: Orphanet 79328, MedGen C2931006, MONDO:0012117, OMIM 608776.
Inborn genetic diseases. Identifiers: MedGen C0950123, MeSH D030342.

Allele frequency attached by ClinVar (database versions not stated): ExAC 0.00005; ESP Exome Variant Server 0.00008.

Submissions (4):

Labcorp Genetics (formerly Invitae), Labcorp
Classification: Uncertain significance for ALG9 congenital disorder of glycosylation. Last evaluated: 2022-08-08. Review status: criteria provided, single submitter. Criteria: Invitae Variant Classification Sherloc (09022015). Collection method: clinical testing. Allele origin: germline.
Comment: This sequence change replaces valine, which is neutral and non-polar, with isoleucine, which is neutral and non-polar, at codon 295 of the ATP6V0A2 protein (p.Val295Ile). This variant is present in population databases (rs371533517, gnomAD 0.007%). This variant has not been reported in the literature in individuals affected with ATP6V0A2-related conditions. ClinVar contains an entry for this variant (Variation ID: 1309768). Algorithms developed to predict the effect of missense changes on protein structure and function (SIFT, PolyPhen-2, Align-GVGD) all suggest that this variant is likely to be tolerated. In summary, the available evidence is currently insufficient to determine the role of this variant in disease. Therefore, it has been classified as a Variant of Uncertain Significance.

Fulgent Genetics
Classification: Uncertain significance for Cutis laxa with osteodystrophy; Wrinkly skin syndrome. Last evaluated: 2022-05-28. Review status: criteria provided, single submitter. Criteria: ACMG Guidelines, 2015. Collection method: clinical testing. Allele origin: unknown.

Ambry Genetics
Classification: Uncertain significance for Inborn genetic diseases. Last evaluated: 2021-01-07. Review status: criteria provided, single submitter. Criteria: Ambry Variant Classification Scheme 2023. Collection method: clinical testing. Allele origin: germline.
Comment: The c.883G>A (p.V295I) alteration is located in exon 9 (coding exon 9) of the ATP6V0A2 gene. This alteration results from a G to A substitution at nucleotide position 883, causing the valine (V) at amino acid position 295 to be replaced by an isoleucine (I). The p.V295I alteration is predicted to be tolerated by in silico analysis. Based on insufficient or conflicting evidence, the clinical significance of this alteration remains unclear.

GeneDx
Classification: Uncertain significance. Last evaluated: 2019-10-28. Review status: criteria provided, single submitter. Criteria: GeneDx Variant Classification Process June 2021. Collection method: clinical testing. Allele origin: germline. Affected: yes.
Comment: Not observed at a significant frequency in large population cohorts (Lek et al., 2016); In silico analysis, which includes protein predictors and evolutionary conservation, supports that this variant does not alter protein structure/function; Has not been previously published as pathogenic or benign to our knowledge

NM_012463.4(ATP6V0A2):c.883G>A (p.Val295Ile)

Gene: ATP6V0A2 (ATPase H+ transporting V0 subunit a2; plus strand). Cytogenetic location: 12q24.31.
Variant type: single nucleotide variant.
Coding change: c.883G>A on transcript NM_012463.4 (MANE Select); coding-DNA position 883, G replaced by A.
Protein change: p.Val295Ile; replaces valine 295 with isoleucine.
Molecular consequence: missense variant.
Genome position (GRCh38, 1-based): chr12:123,737,116, G>A. VCF-style: chr12-123737116-G-A. GRCh37 (hg19) VCF-style: chr12-124221663-G-A.
Other names: short protein forms V295I.
Identifiers: ClinVar variation 1309768 (VCV001309768.6), dbSNP rs371533517, ClinGen allele CA6861768.